The following is an entry in ClinVar:

ClinVar aggregate classification (germline): Uncertain significance (1 of 4 stars; one submission).

Conditions:
Neuronal ceroid lipofuscinosis 11. Also called: GRN-Related Neuronal Ceroid-Lipofuscinosis. Identifiers: Orphanet 314629, Orphanet 79262, MedGen C3539123, MONDO:0013866, OMIM 614706.
GRN-related frontotemporal lobar degeneration with Tdp43 inclusions (FTD2). Also called: DEMENTIA, HEREDITARY DYSPHASIC DISINHIBITION; FRONTOTEMPORAL LOBAR DEGENERATION WITH UBIQUITIN-POSITIVE INCLUSIONS; FTLD-TDP, GRN-RELATED; GRN Frontotemporal Dementia; FRONTOTEMPORAL DEMENTIA WITH TDP43 INCLUSIONS, GRN-RELATED. Identifiers: Orphanet 100070, Orphanet 282, MedGen C1843792, MONDO:0011842, OMIM 607485. Disease mechanism: loss of function.

Allele frequency attached by ClinVar (database versions not stated): TOPMed 0.00001; gnomAD exomes 0.00002.
gnomAD v4.1: 23 of 1,614,112 alleles (0.0014%); highest among the groups gnomAD compares: Non-Finnish European, 0.0019%; no homozygotes.

Submission:

Labcorp Genetics (formerly Invitae), Labcorp
Classification: Uncertain significance for Neuronal ceroid lipofuscinosis 11; GRN-related frontotemporal lobar degeneration with Tdp43 inclusions. Last evaluated: 2025-12-19. Review status: criteria provided, single submitter. Criteria: Invitae Variant Classification Sherloc (09022015). Collection method: clinical testing. Allele origin: germline.
Comment: This sequence change replaces alanine, which is neutral and non-polar, with valine, which is neutral and non-polar, at codon 16 of the GRN protein (p.Ala16Val). This variant is not present in population databases (gnomAD no frequency). This variant has not been reported in the literature in individuals affected with GRN-related conditions. ClinVar contains an entry for this variant (Variation ID: 2148688). An algorithm developed to predict the effect of missense changes on protein structure and function (PolyPhen-2) suggests that this variant is likely to be tolerated. In summary, the available evidence is currently insufficient to determine the role of this variant in disease. Therefore, it has been classified as a Variant of Uncertain Significance.

NM_002087.4(GRN):c.47C>T (p.Ala16Val)

Gene: GRN (granulin precursor; plus strand). Cytogenetic location: 17q21.31.
Variant type: single nucleotide variant.
Coding change: c.47C>T on transcript NM_002087.4 (MANE Select); coding-DNA position 47, C replaced by T.
Protein change: p.Ala16Val; replaces alanine 16 with valine.
Molecular consequence: missense variant.
Genome position (GRCh38, 1-based): chr17:44,349,211, C>T. VCF-style: chr17-44349211-C-T. GRCh37 (hg19) VCF-style: chr17-42426579-C-T.
Other names: short protein forms A16V.
Identifiers: ClinVar variation 2148688 (VCV002148688.4), dbSNP rs2048348002, ClinGen allele CA399759140.